The following is an entry in ClinVar:

NM_006231.4(POLE):c.47A>C (p.Asp16Ala)

Genes: POLE (DNA polymerase epsilon, catalytic subunit; minus strand), LOC130009266 (ATAC-STARR-seq lymphoblastoid silent region 5123; plus strand). Cytogenetic location: 12q24.33.
Variant type: single nucleotide variant.
Coding change: c.47A>C on transcript NM_006231.4 (MANE Select); coding-DNA position 47, A replaced by C.
Protein change: p.Asp16Ala; replaces aspartic acid 16 with alanine.
Molecular consequence: missense variant.
Genome position (GRCh38, 1-based): chr12:132,687,269, T>G on the plus strand (A>C on the coding strand, the complement: POLE is on the minus strand). VCF-style: chr12-132687269-T-G. GRCh37 (hg19) VCF-style: chr12-133263855-T-G.
Other names: c.47A>C (NM_006231.2); short protein forms D16A.
Identifiers: ClinVar variation 955781 (VCV000955781.11), dbSNP rs1333842547, ClinGen allele CA387373362.

ClinVar aggregate classification (germline): Uncertain significance. Review status: criteria provided, multiple submitters, no conflicts (2 of 4 stars). 2 submissions from 2 submitters: Uncertain significance (2). Last evaluated 2025-07-17.

Conditions:
Hereditary cancer-predisposing syndrome. Also called: Hereditary neoplastic syndrome; Tumor predisposition; Neoplastic Syndromes, Hereditary; Hereditary Cancer Syndrome. Identifiers: Orphanet 140162, MedGen C0027672, MeSH D009386, MONDO:0015356.

Allele frequency attached by ClinVar (database versions not stated): gnomAD 0.00001; TOPMed 0.00002.

Submissions (2):

Labcorp Genetics (formerly Invitae), Labcorp
Classification: Uncertain significance. Last evaluated: 2025-07-17. Review status: criteria provided, single submitter. Criteria: Invitae Variant Classification Sherloc (09022015). Collection method: clinical testing. Allele origin: germline.
Comment: This sequence change replaces aspartic acid, which is acidic and polar, with alanine, which is neutral and non-polar, at codon 16 of the POLE protein (p.Asp16Ala). This variant is present in population databases (no rsID available, gnomAD 0.06%). This variant has not been reported in the literature in individuals affected with POLE-related conditions. ClinVar contains an entry for this variant (Variation ID: 955781). An algorithm developed to predict the effect of missense changes on protein structure and function (PolyPhen-2) suggests that this variant is likely to be tolerated. In summary, the available evidence is currently insufficient to determine the role of this variant in disease. Therefore, it has been classified as a Variant of Uncertain Significance.

Ambry Genetics
Classification: Uncertain significance for Hereditary cancer-predisposing syndrome. Last evaluated: 2023-04-03. Review status: criteria provided, single submitter. Criteria: Ambry Variant Classification Scheme 2023. Collection method: clinical testing. Allele origin: germline.
Comment: The p.D16A variant (also known as c.47A>C), located in coding exon 1 of the POLE gene, results from an A to C substitution at nucleotide position 47. The aspartic acid at codon 16 is replaced by alanine, an amino acid with dissimilar properties. This amino acid position is conserved. In addition, this alteration is predicted to be tolerated by in silico analysis. Since supporting evidence is limited at this time, the clinical significance of this alteration remains unclear.